The following is an entry in ClinVar:

NM_002439.5(MSH3):c.1234T>A (p.Ser412Thr)

Gene: MSH3 (mutS homolog 3; plus strand). Cytogenetic location: 5q14.1.
Variant type: single nucleotide variant.
Coding change: c.1234T>A on transcript NM_002439.5 (MANE Select); coding-DNA position 1234, T replaced by A.
Protein change: p.Ser412Thr; replaces serine 412 with threonine.
Molecular consequence: missense variant.
Genome position (GRCh38, 1-based): chr5:80,678,987, T>A. VCF-style: chr5-80678987-T-A. GRCh37 (hg19) VCF-style: chr5-79974806-T-A.
Other names: short protein forms S412T.
Identifiers: ClinVar variation 648798 (VCV000648798.8), dbSNP rs1580556462, ClinGen allele CA360268941.
Genomic context (GRCh38, chr5:80,678,987, plus strand): 5'-GGAGTGCAGCCTGCCACAGGCGAGGTTGTGTTTGATAGTTTCCAGGACTCTGCTTCTCGT[T>A]CAGAGCTAGAAACCCGGATGTCAAGCCTGCAGCCAGTAGAGCTGCTGCTTCCTTCGGCCT-3'
Protein context (NP_002430.3, residues 402-422): FDSFQDSASR[Ser412Thr]ELETRMSSLQ

ClinVar aggregate classification (germline): Uncertain significance (1 of 4 stars; one submission).

Submission:

Labcorp Genetics (formerly Invitae), Labcorp
Classification: Uncertain significance. Last evaluated: 2018-10-05. Review status: criteria provided, single submitter. Criteria: Invitae Variant Classification Sherloc (09022015). Collection method: clinical testing. Allele origin: germline.
Comment: In summary, the available evidence is currently insufficient to determine the role of this variant in disease. Therefore, it has been classified as a Variant of Uncertain Significance. This sequence change replaces serine with threonine at codon 412 of the MSH3 protein (p.Ser412Thr). The serine residue is moderately conserved and there is a small physicochemical difference between serine and threonine. This variant is not present in population databases (ExAC no frequency). This variant has not been reported in the literature in individuals with MSH3-related disease. Algorithms developed to predict the effect of missense changes on protein structure and function (SIFT, PolyPhen-2, Align-GVGD) all suggest that this variant is likely to be tolerated, but these predictions have not been confirmed by published functional studies and their clinical significance is uncertain.